The following is an entry in ClinVar:

NM_015627.3(LDLRAP1):c.65G>A (p.Trp22Ter)

Genes: LDLRAP1 (low density lipoprotein receptor adaptor protein 1; plus strand), LOC129929773 (ATAC-STARR-seq lymphoblastoid silent region 456; plus strand). Cytogenetic location: 1p36.11.
Variant type: single nucleotide variant.
Coding change: c.65G>A on transcript NM_015627.3 (MANE Select); coding-DNA position 65, G replaced by A.
Protein change: p.Trp22Ter; replaces tryptophan 22 with a stop codon.
Molecular consequence: nonsense.
Genome position (GRCh38, 1-based): chr1:25,543,763, G>A. VCF-style: chr1-25543763-G-A. GRCh37 (hg19) VCF-style: chr1-25870254-G-A.
Other names: short protein forms W22*.
Identifiers: ClinVar variation 4773 (VCV000004773.16), dbSNP rs121908324, ClinGen allele CA117067.
Genomic context (GRCh38, chr1:25,543,763, plus strand): 5'-ACGCGCTCAAGTCGGCGGGGCGGGCGCTGATCCGGAGCCCCAGCTTGGCCAAGCAGAGCT[G>A]GGGGGGCGGTGGCCGGCACCGCAGTGAGTGTGCGCGCGTCAGCCGGGCCGGGCCGGGATC-3'

ClinVar aggregate classification (germline): Pathogenic. Review status: criteria provided, multiple submitters, no conflicts (2 of 4 stars). 6 submissions from 6 submitters: Pathogenic (5). 1 of the submissions does not count toward it. Last evaluated 2024-09-10.

Conditions:
Familial hypercholesterolemia. Also called: Familial hypercholesterolemias; Familial hypercholesterolaemia. Identifiers: MedGen C0020445, MONDO:0005439.
Hypercholesterolemia, familial, 4 (FHCL4). Also called: HYPERCHOLESTEROLEMIA, AUTOSOMAL RECESSIVE, 1; HYPERCHOLESTEROLEMIA, AUTOSOMAL RECESSIVE, 2. Identifiers: Orphanet 391665, MedGen C1863512, MONDO:0011374, OMIM 603813.

Allele frequency attached by ClinVar (database versions not stated): TOPMed 0.00005.

Submissions (6):

Natera, Inc.
Classification: Pathogenic for Familial hypercholesterolemia. Last evaluated: 2024-09-10. Review status: criteria provided, single submitter. Criteria: Natera Variant Classification Schema (03/2026). Collection method: clinical testing. Allele origin: germline.
Comment: The c.65G>A variant in LDLRAP1 is a nonsense variant predicted to introduce a stop codon at amino acid 22. This variant is expected to result in nonsense mediated decay, truncation, or a dysfunctional protein product. This variant is rare in the general population with a frequency below the threshold expected for the associated phenotype(s). This variant has been observed in one or more individuals affected with the associated recessive disease, as either homozygous or compound heterozygous with a second variant (PMID: 11897284). Additionally, this variant has been observed to segregate in affected family members (PMID: 11897284). Given the available evidence, this variant is classified as Pathogenic.

Revvity Omics, Revvity
Classification: Pathogenic for Hypercholesterolemia, familial, 4. Last evaluated: 2024-01-03. Review status: criteria provided, single submitter. Criteria: ACMG Guidelines, 2015. Collection method: clinical testing. Allele origin: germline.

Labcorp Genetics (formerly Invitae), Labcorp
Classification: Pathogenic for Hypercholesterolemia, familial, 4. Last evaluated: 2023-09-27. Review status: criteria provided, single submitter. Criteria: Invitae Variant Classification Sherloc (09022015). Collection method: clinical testing. Allele origin: germline.
Comment: For these reasons, this variant has been classified as Pathogenic. ClinVar contains an entry for this variant (Variation ID: 4773). This premature translational stop signal has been observed in individual(s) with autosomal recessive hypercholesterolemia (PMID: 11326085). It has also been observed to segregate with disease in related individuals. This variant is not present in population databases (gnomAD no frequency). This sequence change creates a premature translational stop signal (p.Trp22*) in the LDLRAP1 gene. It is expected to result in an absent or disrupted protein product. Loss-of-function variants in LDLRAP1 are known to be pathogenic (PMID: 11326085, 12464675).

Genome-Nilou Lab
Classification: Pathogenic for Hypercholesterolemia, familial, 4. Last evaluated: 2023-04-11. Review status: criteria provided, single submitter. Criteria: ACMG Guidelines, 2015. Collection method: clinical testing. Allele origin: germline. Affected: no.

Fulgent Genetics
Classification: Pathogenic for Hypercholesterolemia, familial, 4. Last evaluated: 2021-09-08. Review status: criteria provided, single submitter. Criteria: ACMG Guidelines, 2015. Collection method: clinical testing. Allele origin: unknown.

OMIM
Classification: Pathogenic for HYPERCHOLESTEROLEMIA, FAMILIAL, 4, AUTOSOMAL RECESSIVE. Last evaluated: 2001-05-18. Review status: no assertion criteria provided. Collection method: literature only. Allele origin: germline. Not counted in ClinVar's aggregate classification.

Literature cited by the submitters: PubMed 11897284 (cited by Natera, Inc.); PubMed 11326085 (cited by Labcorp Genetics (formerly Invitae), Labcorp and OMIM); PubMed 12464675 (cited by Labcorp Genetics (formerly Invitae), Labcorp).